The following is an entry in ClinVar:

ClinVar aggregate classification (germline): Uncertain significance (1 of 4 stars; one submission).

Allele frequency attached by ClinVar (database versions not stated): TOPMed below 0.00001.

Submission:

GeneDx
Classification: Uncertain significance. Last evaluated: 2026-01-25. Review status: criteria provided, single submitter. Criteria: GeneDx Variant Classification Process June 2021. Collection method: clinical testing. Allele origin: germline. Affected: yes.
Comment: Not observed at significant frequency in large population cohorts (gnomAD); In silico analysis supports that this missense variant has a deleterious effect on protein structure/function; Has not been previously published as pathogenic or benign to our knowledge

NM_004380.3(CREBBP):c.1252C>A (p.His418Asn)

Gene: CREBBP (CREB binding lysine acetyltransferase; minus strand). Cytogenetic location: 16p13.3.
Variant type: single nucleotide variant.
Coding change: c.1252C>A on transcript NM_004380.3 (MANE Select); coding-DNA position 1252, C replaced by A.
Protein change: p.His418Asn; replaces histidine 418 with asparagine.
Molecular consequence: missense variant. On other transcripts: intron variant (1).
Genome position (GRCh38, 1-based): chr16:3,792,059, G>T on the plus strand (C>A on the coding strand, the complement: CREBBP is on the minus strand). VCF-style: chr16-3792059-G-T. GRCh37 (hg19) VCF-style: chr16-3842060-G-T.
Other names: c.1216+1327C>A (NM_001079846.1); short protein forms H418N.
Identifiers: ClinVar variation 2443561 (VCV002443561.2), dbSNP rs2053518920, ClinGen allele CA394560797.